The following is an entry in ClinVar:

NM_001375834.1(WIPF1):c.51+4_51+7del

Genes: WIPF1 (WAS/WASL interacting protein family member 1; minus strand), WIPF1-AS1 (WIPF1 and CHRNA1 antisense RNA 1; plus strand). Cytogenetic location: 2q31.1.
Variant type: Deletion.
Coding change: c.51+4_51+7del on transcript NM_001375834.1 (MANE Select); bases 4 to 7 of the intron after coding-DNA position 51, 4 bases deleted (AGTG; older notation c.51+4_51+7delAGTG).
Molecular consequence: splice donor variant.
Genome position (GRCh38, 1-based): chr2:174,585,516-174,585,519, CACT deleted on the plus strand (AGTG on the coding strand, the reverse complement: WIPF1 is on the minus strand); deleting any 4 consecutive bases within chr2:174,585,516-174,585,522 gives the same sequence; the c. name uses the placement nearest the transcript's 3' end. VCF-style (leftmost placement, unchanged base first): chr2-174585515-ACACT-A. GRCh37 (hg19) VCF-style: chr2-175450243-ACACT-A.
Other names: c.51+4_51+7del (NM_001375835.1, NM_001077269.1, NM_001375839.1 and 6 more transcripts).
Identifiers: ClinVar variation 1500363 (VCV001500363.6), dbSNP rs1685384616, ClinGen allele CA1308762672.

ClinVar aggregate classification (germline): Uncertain significance (1 of 4 stars; one submission).

Conditions:
Wiskott-Aldrich syndrome 2 (WAS2). Also called: WIPF1 DEFICIENCY. Identifiers: Orphanet 906, MedGen C3281001, MONDO:0013779, OMIM 614493.

Submission:

Labcorp Genetics (formerly Invitae), Labcorp
Classification: Uncertain significance for Wiskott-Aldrich syndrome 2. Last evaluated: 2023-04-24. Review status: criteria provided, single submitter. Criteria: Invitae Variant Classification Sherloc (09022015). Collection method: clinical testing. Allele origin: germline.
Comment: This sequence change falls in intron 2 of the WIPF1 gene. It does not directly change the encoded amino acid sequence of the WIPF1 protein. It affects a nucleotide within the consensus splice site. This variant is not present in population databases (gnomAD no frequency). This variant has not been reported in the literature in individuals affected with WIPF1-related conditions. ClinVar contains an entry for this variant (Variation ID: 1500363). Variants that disrupt the consensus splice site are a relatively common cause of aberrant splicing (PMID: 17576681, 9536098). Algorithms developed to predict the effect of sequence changes on RNA splicing suggest that this variant may disrupt the consensus splice site. In summary, the available evidence is currently insufficient to determine the role of this variant in disease. Therefore, it has been classified as a Variant of Uncertain Significance.

Literature cited by the submitters: PubMed 17576681; PubMed 9536098.